The following is an entry in ClinVar:

NM_001134673.4(NFIA):c.1286A>G (p.Asn429Ser)

Gene: NFIA (nuclear factor I A; plus strand). Cytogenetic location: 1p31.3.
Variant type: single nucleotide variant.
Coding change: c.1286A>G on transcript NM_001134673.4 (MANE Select); coding-DNA position 1286, A replaced by G.
Protein change: p.Asn429Ser; replaces asparagine 429 with serine.
Molecular consequence: missense variant.
Genome position (GRCh38, 1-based): chr1:61,406,593, A>G. VCF-style: chr1-61406593-A-G. GRCh37 (hg19) VCF-style: chr1-61872265-A-G.
Other names: c.1262A>G, p.Asn421Ser (NM_001145511.2); c.1421A>G, p.Asn474Ser (NM_001145512.2); c.1286A>G, p.Asn429Ser (NM_005595.5); short protein forms N421S, N429S, N474S.
Identifiers: ClinVar variation 1804225 (VCV001804225.1), dbSNP rs1411808673, ClinGen allele CA340589475.

ClinVar aggregate classification (germline): Uncertain significance (1 of 4 stars; one submission).

Allele frequency attached by ClinVar (database versions not stated): gnomAD exomes below 0.00001; TOPMed below 0.00001; gnomAD 0.00001.
gnomAD v4.1: 4 of 1,388,720 alleles (0.00029%); highest among the groups gnomAD compares: Non-Finnish European, 0.00038%; no homozygotes.

Submission:

GeneDx
Classification: Uncertain significance. Last evaluated: 2022-06-18. Review status: criteria provided, single submitter. Criteria: GeneDx Variant Classification Process June 2021. Collection method: clinical testing. Allele origin: germline. Affected: yes.
Comment: Not observed at significant frequency in large population cohorts (gnomAD); In silico analysis supports that this missense variant does not alter protein structure/function; Has not been previously published as pathogenic or benign to our knowledge